The following is an entry in ClinVar:

ClinVar aggregate classification (germline): Uncertain significance (1 of 4 stars; one submission).

gnomAD v4.1: 3 of 1,563,652 alleles (0.00019%); highest among the groups gnomAD compares: Non-Finnish European, 0.00018%; no homozygotes.

Submission:

Ambry Genetics
Classification: Uncertain significance. Last evaluated: 2025-03-31. Review status: criteria provided, single submitter. Criteria: Ambry Variant Classification Scheme 2023. Collection method: clinical testing. Allele origin: germline.
Comment: The p.N237S variant (also known as c.710A>G), located in coding exon 8 of the NEBL gene, results from an A to G substitution at nucleotide position 710. The asparagine at codon 237 is replaced by serine, an amino acid with highly similar properties. This amino acid position is conserved. In addition, this alteration is predicted to be tolerated by in silico analysis. Based on the available evidence, the clinical significance of this variant remains unclear.

NM_006393.3(NEBL):c.710A>G (p.Asn237Ser)

Gene: NEBL (nebulette; minus strand). Cytogenetic location: 10p12.31.
Variant type: single nucleotide variant.
Coding change: c.710A>G on transcript NM_006393.3 (MANE Select); coding-DNA position 710, A replaced by G.
Protein change: p.Asn237Ser; replaces asparagine 237 with serine.
Molecular consequence: missense variant. On other transcripts: intron variant (9).
Genome position (GRCh38, 1-based): chr10:20,859,801, T>C on the plus strand (A>G on the coding strand, the complement: NEBL is on the minus strand). VCF-style: chr10-20859801-T-C. GRCh37 (hg19) VCF-style: chr10-21148730-T-C.
Other names: c.250-46861A>G (NM_001377326.1, NM_001377327.1, NM_001377328.1); c.358-46861A>G (NM_213569.2, NM_001173484.2, NM_001377322.1); c.301-46861A>G (NM_001377324.1); c.292-46861A>G (NM_001377325.1); c.310-46861A>G (NM_001377323.1); short protein forms N237S.
Identifiers: ClinVar variation 3918544 (VCV003918544.1).